The following is an entry in ClinVar:

ClinVar aggregate classification (germline): Benign/Likely benign. Review status: criteria provided, multiple submitters, no conflicts (2 of 4 stars). 13 submissions from 13 submitters: Benign (11); Likely benign (2). Last evaluated 2026-02-04.

Conditions:
Familial thoracic aortic aneurysm and aortic dissection (TAAD). Also called: Thoracic aortic aneurysms and dissections. Identifiers: Orphanet 91387, MedGen C4707243, MONDO:0019625.
Arterial tortuosity syndrome (ATORS). Identifiers: Orphanet 3342, MedGen C1859726, MONDO:0008818, OMIM 208050.

Allele frequency attached by ClinVar (database versions not stated): gnomAD exomes 0.06100 and 0.10178; ExAC 0.10087; ESP Exome Variant Server 0.11764; gnomAD 0.12280 and 0.12316; TOPMed 0.13194; 1000 Genomes Project 0.17472; 1000 Genomes Project 30x 0.18004.

Submissions (13):

Labcorp Genetics (formerly Invitae), Labcorp
Classification: Benign for Arterial tortuosity syndrome. Last evaluated: 2026-02-04. Review status: criteria provided, single submitter. Criteria: Invitae Variant Classification Sherloc (09022015). Collection method: clinical testing. Allele origin: germline.

ARUP Laboratories, Molecular Genetics and Genomics, ARUP Laboratories
Classification: Benign for Arterial tortuosity syndrome. Last evaluated: 2025-07-10. Review status: criteria provided, single submitter. Criteria: ARUP Molecular Germline Variant Investigation Process 2024. Collection method: clinical testing. Allele origin: germline.

Molecular Diagnostic Laboratory for Inherited Cardiovascular Disease, Montreal Heart Institute
Classification: Benign. Last evaluated: 2025-04-09. Review status: criteria provided, single submitter. Criteria: ACMG Guidelines, 2015. Collection method: clinical testing. Allele origin: germline. Affected: no.

Blueprint Genetics
Classification: Benign. Last evaluated: 2024-11-28. Review status: criteria provided, single submitter. Criteria: ACMG Guidelines, 2015. Collection method: clinical testing. Allele origin: germline.

Women's Health and Genetics/Laboratory Corporation of America, LabCorp
Classification: Likely benign. Last evaluated: 2020-09-24. Review status: criteria provided, single submitter. Criteria: LabCorp Variant Classification Summary - May 2015. Collection method: clinical testing. Allele origin: germline.

Illumina Laboratory Services, Illumina
Classification: Benign for Arterial tortuosity syndrome. Last evaluated: 2018-03-06. Review status: criteria provided, single submitter. Criteria: ICSL Variant Classification Criteria 13 December 2019. Collection method: clinical testing. Allele origin: germline.
Comment: This variant was observed in the ICSL laboratory as part of a predisposition screen in an ostensibly healthy population. It had not been previously curated by ICSL or reported in the Human Gene Mutation Database (HGMD: prior to June 1st, 2018), and was therefore a candidate for classification through an automated scoring system. Utilizing variant allele frequency, disease prevalence and penetrance estimates, and inheritance mode, an automated score was calculated to assess if this variant is too frequent to cause the disease. Based on the score and internal cut-off values, a variant classified as benign is not then subjected to further curation. The score for this variant resulted in a classification of benign for this disease.

Ambry Genetics
Classification: Benign for Familial thoracic aortic aneurysm and aortic dissection. Last evaluated: 2016-03-29. Review status: criteria provided, single submitter. Criteria: Ambry Variant Classification Scheme 2023. Collection method: clinical testing. Allele origin: germline.

Eurofins Ntd Llc (ga)
Classification: Benign. Last evaluated: 2015-02-06. Review status: criteria provided, single submitter. Criteria: EGL Classification Definitions 2015. Collection method: clinical testing. Allele origin: germline. Observed: 1 variant allele, 1 heterozygote.

Laboratory for Molecular Medicine, Mass General Brigham Personalized Medicine
Classification: Benign. Last evaluated: 2015-01-13. Review status: criteria provided, single submitter. Criteria: LMM Criteria. Collection method: clinical testing. Allele origin: germline. Observed: 5 variant alleles.
Comment: p.Ala206Thr in exon 2 of SLC2A10: This variant is not expected to have clinical significance because it has been identified in 26.1% (1151/4406) of African Amer ican chromosomes from a broad population by the NHLBI Exome Sequencing Project (dbSNP rs2235491).

Mayo Clinic Laboratories, Mayo Clinic
Classification: Benign. Last evaluated: 2014-02-05. Review status: criteria provided, single submitter. Criteria: ACMG Guidelines, 2015. Collection method: clinical testing. Allele origin: germline. Observed: 279 variant alleles.

GeneDx
Classification: Benign. Last evaluated: 2012-10-30. Review status: criteria provided, single submitter. Criteria: GeneDx Variant Classification (06012015). Collection method: clinical testing. Allele origin: germline. Affected: yes.
Comment: This variant is considered likely benign or benign based on one or more of the following criteria: it is a conservative change, it occurs at a poorly conserved position in the protein, it is predicted to be benign by multiple in silico algorithms, and/or has population frequency not consistent with disease.

Breakthrough Genomics
Classification: Likely benign. Review status: criteria provided, single submitter. Criteria: ACMG Guidelines, 2015. Collection method: not provided. Allele origin: germline. Inheritance: Autosomal recessive inheritance. Affected: yes.

PreventionGenetics, part of Exact Sciences
Classification: Benign. Review status: criteria provided, single submitter. Criteria: ACMG Guidelines, 2015. Collection method: clinical testing. Allele origin: germline.

NM_030777.4(SLC2A10):c.616G>A (p.Ala206Thr)

Gene: SLC2A10 (solute carrier family 2 member 10; plus strand). Cytogenetic location: 20q13.12.
Variant type: single nucleotide variant.
Coding change: c.616G>A on transcript NM_030777.4 (MANE Select); coding-DNA position 616, G replaced by A.
Protein change: p.Ala206Thr; replaces alanine 206 with threonine.
Molecular consequence: missense variant.
Genome position (GRCh38, 1-based): chr20:46,725,652, G>A. VCF-style: chr20-46725652-G-A. GRCh37 (hg19) VCF-style: chr20-45354291-G-A.
Other names: p.A206T:GCC>ACC; short protein forms A206T.
Identifiers: ClinVar variation 139172 (VCV000139172.45), dbSNP rs2235491, ClinGen allele CA302822.
Genomic context (GRCh38, chr20:46,725,652, plus strand): 5'-CCTGCTGGTACAGATGAGACTGCAACACACAAGGACCTCATCCCACTCCAGGGAGGTGAG[G>A]CCCCCAAGCTGGGCCCGGGGAGGCCACGGTACTCCTTTCTGGACCTCTTCAGGGCACGCG-3'
Protein context (NP_110404.1, residues 196-216): KDLIPLQGGE[Ala206Thr]PKLGPGRPRY